The following is an entry in ClinVar:

ClinVar aggregate classification (germline): Uncertain significance. Review status: criteria provided, multiple submitters, no conflicts (2 of 4 stars). 5 submissions from 5 submitters: Uncertain significance (4). 1 of the submissions does not count toward it. Last evaluated 2025-11-10.

Conditions:
Retinitis pigmentosa (RP). Identifiers: Orphanet 791, MedGen C0035334, MeSH D012174, MONDO:0019200, OMIM 268000. Inheritance: Autosomal dominant, autosomal recessive and X linked inheritance.
Retinitis pigmentosa 59 (RP59). Identifiers: Orphanet 791, MedGen C3151227, MONDO:0013468, OMIM 613861.

Allele frequency attached by ClinVar (database versions not stated): TOPMed 0.00002.

Submissions (5):

Labcorp Genetics (formerly Invitae), Labcorp
Classification: Uncertain significance for Retinitis pigmentosa 59. Last evaluated: 2025-11-10. Review status: criteria provided, single submitter. Criteria: Invitae Variant Classification Sherloc (09022015). Collection method: clinical testing. Allele origin: germline.
Comment: This sequence change replaces arginine, which is basic and polar, with proline, which is neutral and non-polar, at codon 299 of the DHDDS protein (p.Arg299Pro). This variant is present in population databases (rs778103040, gnomAD 0.0009%). This variant has not been reported in the literature in individuals affected with DHDDS-related conditions. ClinVar contains an entry for this variant (Variation ID: 645460). An algorithm developed to predict the effect of missense changes on protein structure and function (PolyPhen-2) suggests that this variant is likely to be tolerated. In summary, the available evidence is currently insufficient to determine the role of this variant in disease. Therefore, it has been classified as a Variant of Uncertain Significance.

Blueprint Genetics
Classification: Uncertain significance. Last evaluated: 2023-02-01. Review status: criteria provided, single submitter. Criteria: ACMG Guidelines, 2015. Collection method: clinical testing. Allele origin: germline.

Revvity Omics, Revvity
Classification: Uncertain significance. Last evaluated: 2021-07-09. Review status: criteria provided, single submitter. Criteria: ACMG Guidelines, 2015. Collection method: clinical testing. Allele origin: germline.

Illumina Laboratory Services, Illumina
Classification: Uncertain significance for Retinitis pigmentosa. Last evaluated: 2018-01-12. Review status: criteria provided, single submitter. Criteria: ICSL Variant Classification Criteria 13 December 2019. Collection method: clinical testing. Allele origin: germline.

Natera, Inc.
Classification: Uncertain significance for Retinitis pigmentosa type 59. Last evaluated: 2020-09-16. Review status: no assertion criteria provided. Collection method: clinical testing. Allele origin: germline. Not counted in ClinVar's aggregate classification.

NM_205861.3(DHDDS):c.893G>C (p.Arg298Pro)

Gene: DHDDS (dehydrodolichyl diphosphate synthase subunit; plus strand). Cytogenetic location: 1p36.11.
Variant type: single nucleotide variant.
Coding change: c.893G>C on transcript NM_205861.3 (MANE Select); coding-DNA position 893, G replaced by C.
Protein change: p.Arg298Pro; replaces arginine 298 with proline.
Molecular consequence: missense variant.
Genome position (GRCh38, 1-based): chr1:26,469,022, G>C. VCF-style: chr1-26469022-G-C. GRCh37 (hg19) VCF-style: chr1-26795513-G-C.
Other names: c.791G>C, p.Arg264Pro (NM_001243564.2); c.776G>C, p.Arg259Pro (NM_001243565.2); c.614G>C, p.Arg205Pro (NM_001319959.2); c.896G>C, p.Arg299Pro (NM_024887.4); short protein forms R264P, R299P, R205P, R259P, R298P.
Identifiers: ClinVar variation 645460 (VCV000645460.15), dbSNP rs778103040, ClinGen allele CA705483.
Genomic context (GRCh38, chr1:26,469,022, plus strand): 5'-CAGAGCAGCTGCTGCGAGAGGGGCTCCAAGCCAGTGGGGACGCCCAGCTCCGAAGGACAC[G>C]CTTGCACAAACTCTCGGCCAGACGGGAAGAGCGAGTCCAAGGCTTCCTGCAGGCCTTGGA-3'
Protein context (NP_995583.1, residues 288-308): ASGDAQLRRT[Arg298Pro]LHKLSARREE